The following is an entry in ClinVar:

NM_152564.5(VPS13B):c.2649A>G (p.Pro883=)

Gene: VPS13B (vacuolar protein sorting 13 homolog B; plus strand). Cytogenetic location: 8q22.2.
Variant type: single nucleotide variant.
Coding change: c.2649A>G on transcript NM_152564.5 (MANE Select); coding-DNA position 2649, A replaced by G.
Protein change: p.Pro883=; no amino-acid change (proline 883 retained).
Molecular consequence: synonymous variant.
Genome position (GRCh38, 1-based): chr8:99,274,331, A>G. VCF-style: chr8-99274331-A-G. GRCh37 (hg19) VCF-style: chr8-100286559-A-G.
Other names: c.2649A>G, p.Pro883= (NM_017890.5).
Identifiers: ClinVar variation 1996912 (VCV001996912.4), dbSNP rs2489223354, ClinGen allele CA462422287.

ClinVar aggregate classification (germline): Uncertain significance (1 of 4 stars; one submission).

Conditions:
Cohen syndrome (COH1). Also called: Cutis verticis gyrata, retinitis pigmentosa, and sensorineural deafness; PEPPER SYNDROME. Identifiers: Orphanet 193, MedGen C0265223, MONDO:0008999, OMIM 216550.

Submission:

Labcorp Genetics (formerly Invitae), Labcorp
Classification: Uncertain significance for Cohen syndrome. Last evaluated: 2022-05-20. Review status: criteria provided, single submitter. Criteria: Invitae Variant Classification Sherloc (09022015). Collection method: clinical testing. Allele origin: germline.
Comment: In summary, the available evidence is currently insufficient to determine the role of this variant in disease. Therefore, it has been classified as a Variant of Uncertain Significance. Algorithms developed to predict the effect of sequence changes on RNA splicing suggest that this variant may disrupt the consensus splice site. This variant has not been reported in the literature in individuals affected with VPS13B-related conditions. This variant is not present in population databases (gnomAD no frequency). This sequence change affects codon 883 of the VPS13B mRNA. It is a 'silent' change, meaning that it does not change the encoded amino acid sequence of the VPS13B protein. It affects a nucleotide within the consensus splice site.